The following is an entry in ClinVar:

ClinVar aggregate classification (germline): Uncertain significance (1 of 4 stars; one submission).

gnomAD v4.1: 5 of 1,607,310 alleles (0.00031%); highest among the groups gnomAD compares: Non-Finnish European, 0.00043%; no homozygotes.

Submission:

Labcorp Genetics (formerly Invitae), Labcorp
Classification: Uncertain significance. Last evaluated: 2024-12-19. Review status: criteria provided, single submitter. Criteria: Invitae Variant Classification Sherloc (09022015). Collection method: clinical testing. Allele origin: germline.
Comment: This sequence change replaces tyrosine, which is neutral and polar, with aspartic acid, which is acidic and polar, at codon 552 of the PLG protein (p.Tyr552Asp). This variant is not present in population databases (gnomAD no frequency). This variant has not been reported in the literature in individuals affected with PLG-related conditions. Invitae Evidence Modeling of protein sequence and biophysical properties (such as structural, functional, and spatial information, amino acid conservation, physicochemical variation, residue mobility, and thermodynamic stability) indicates that this missense variant is not expected to disrupt PLG protein function with a negative predictive value of 80%. In summary, the available evidence is currently insufficient to determine the role of this variant in disease. Therefore, it has been classified as a Variant of Uncertain Significance.

NM_000301.5(PLG):c.1654T>G (p.Tyr552Asp)

Gene: PLG (plasminogen; plus strand). Cytogenetic location: 6q26.
Variant type: single nucleotide variant.
Coding change: c.1654T>G on transcript NM_000301.5 (MANE Select); coding-DNA position 1654, T replaced by G.
Protein change: p.Tyr552Asp; replaces tyrosine 552 with aspartic acid.
Molecular consequence: missense variant.
Genome position (GRCh38, 1-based): chr6:160,734,061, T>G. VCF-style: chr6-160734061-T-G. GRCh37 (hg19) VCF-style: chr6-161155093-T-G.
Other names: short protein forms Y552D.
Identifiers: ClinVar variation 3710996 (VCV003710996.2).